The following is an entry in ClinVar:

NC_000018.9:g.(?_32335941)_(32464709_?)dup

Gene: DTNA (dystrobrevin alpha; plus strand). Cytogenetic location: 18q12.1.
Variant type: Duplication.
Identifiers: ClinVar variation 2424159 (VCV002424159.4).

ClinVar aggregate classification (germline): Uncertain significance (1 of 4 stars; one submission).

Conditions:
Left ventricular noncompaction 1 (LVNC1). Also called: LEFT VENTRICULAR NONCOMPACTION 1 WITH OR WITHOUT CONGENITAL HEART DEFECTS. Identifiers: Orphanet 54260, MedGen C1858725, MONDO:0011403, OMIM 604169.

Submission:

Labcorp Genetics (formerly Invitae), Labcorp
Classification: Uncertain significance for Left ventricular noncompaction 1. Last evaluated: 2021-08-17. Review status: criteria provided, single submitter. Criteria: Invitae Variant Classification Sherloc (09022015). Collection method: clinical testing. Allele origin: germline.
Comment: This variant has not been reported in the literature in individuals with DTNA-related conditions. A copy number gain of the genomic region encompassing the full coding sequence of the DTNA gene has been identified. The boundaries of this event are unknown as they extend beyond the assayed region for this gene and therefore may encompass additional genes. As the precise location of this event is unknown, it may be in tandem or it may be located elsewhere in the genome. In summary, the available evidence is currently insufficient to determine the role of this variant in disease. Therefore, it has been classified as a Variant of Uncertain Significance.